The following is an entry in ClinVar:

NM_004385.5(VCAN):c.8762T>C (p.Ile2921Thr)

Genes: VCAN (versican; plus strand), VCAN-AS1 (VCAN antisense RNA 1; minus strand). Cytogenetic location: 5q14.3.
Variant type: single nucleotide variant.
Coding change: c.8762T>C on transcript NM_004385.5 (MANE Select); coding-DNA position 8762, T replaced by C.
Protein change: p.Ile2921Thr; replaces isoleucine 2921 with threonine.
Molecular consequence: missense variant. On other transcripts: intron variant (2).
Genome position (GRCh38, 1-based): chr5:83,541,765, T>C. VCF-style: chr5-83541765-T-C. GRCh37 (hg19) VCF-style: chr5-82837584-T-C.
Other names: c.5801T>C, p.Ile1934Thr (NM_001164097.2); c.4004-3772T>C (NM_001164098.2); c.1043-3772T>C (NM_001126336.3); short protein forms I1934T, I2921T.
Identifiers: ClinVar variation 1370350 (VCV001370350.6), dbSNP rs1441312996, ClinGen allele CA360294121.

ClinVar aggregate classification (germline): Uncertain significance (1 of 4 stars; one submission).

Allele frequency attached by ClinVar (database versions not stated): gnomAD exomes below 0.00001.
gnomAD v4.1: 2 of 1,614,112 alleles (0.00012%); highest among the groups gnomAD compares: Non-Finnish European, 0.00017%; no homozygotes.

Submission:

Labcorp Genetics (formerly Invitae), Labcorp
Classification: Uncertain significance. Last evaluated: 2025-09-26. Review status: criteria provided, single submitter. Criteria: Invitae Variant Classification Sherloc (09022015). Collection method: clinical testing. Allele origin: germline.
Comment: This sequence change replaces isoleucine, which is neutral and non-polar, with threonine, which is neutral and polar, at codon 2921 of the VCAN protein (p.Ile2921Thr). This variant is present in population databases (no rsID available, gnomAD 0.006%). This missense change has been observed in individual(s) with retinitis pigmentosa (internal data). ClinVar contains an entry for this variant (Variation ID: 1370350). An algorithm developed to predict the effect of missense changes on protein structure and function outputs the following: PolyPhen-2: "Benign". The threonine amino acid residue is found in multiple mammalian species, which suggests that this missense change does not adversely affect protein function. In summary, the available evidence is currently insufficient to determine the role of this variant in disease. Therefore, it has been classified as a Variant of Uncertain Significance.